The following is an entry in ClinVar:

Conditions:
Long QT syndrome 5 (LQT5). Identifiers: Orphanet 101016, Orphanet 768, MedGen C1867904, MONDO:0013372, OMIM 613695.

Submission:

Roden Lab, Vanderbilt University Medical Center
No classification provided (evidence only). Condition: Long QT syndrome 5. Review status: no classification provided. Collection method: in vitro. Allele origin: not applicable. Functional consequence: Effect on ion channel function.
ClinVar note: "not provided" was previously submitted as the classification for the variant. However, the classification appeared to be based only on an observation of functional data so it was converted to no classification on 2025-07-30.

NM_000219.6(KCNE1):c.358A>T (p.Thr120Ser)

Gene: KCNE1 (potassium voltage-gated channel subfamily E regulatory subunit 1; minus strand). Cytogenetic location: 21q22.12.
Variant type: single nucleotide variant.
Coding change: c.358A>T on transcript NM_000219.6 (MANE Select); coding-DNA position 358, A replaced by T.
Protein change: p.Thr120Ser; replaces threonine 120 with serine.
Molecular consequence: missense variant.
Genome position (GRCh38, 1-based): chr21:34,449,277, T>A on the plus strand (A>T on the coding strand, the complement: KCNE1 is on the minus strand). VCF-style: chr21-34449277-T-A. GRCh37 (hg19) VCF-style: chr21-35821575-T-A.
Other names: c.358A>T, p.Thr120Ser (NM_001127668.4, NM_001127669.4, NM_001127670.4 and 4 more transcripts); short protein forms T120S.
Identifiers: ClinVar variation 3373806 (VCV003373806.2).